The following is an entry in ClinVar:

NM_015512.5(DNAH1):c.3928del (p.Val1310fs)

Gene: DNAH1 (dynein axonemal heavy chain 1; plus strand). Cytogenetic location: 3p21.1.
Variant type: Deletion.
Coding change: c.3928del on transcript NM_015512.5 (MANE Select); coding-DNA position 3928, one base deleted (G; older notation c.3928delG).
Protein change: p.Val1310fs; shifts the reading frame from valine 1310.
Molecular consequence: frameshift variant.
Genome position (GRCh38, 1-based): chr3:52,357,683, G deleted; the last of 2 consecutive G bases (chr3:52,357,682-52,357,683); deleting either gives the same sequence. VCF-style (leftmost placement, unchanged base first): chr3-52357681-TG-T. GRCh37 (hg19) VCF-style: chr3-52391697-TG-T.
Other names: short protein forms V1310fs.
Identifiers: ClinVar variation 4785463 (VCV004785463.1).
Genomic context (GRCh38, chr3:52,357,681, plus strand): 5'-ATGTGTGTTCCGACCTGAGAATGCTGGACAGCCTGCGGGACTGCAACAAGATTCTGGACC[TG>T]GTGCAGAAGGGCCTCAGCGAGTATCTGGAGACCAAGAGGAGCGCCTTCCCCAGGTGGGCG-3'

ClinVar aggregate classification (germline): Pathogenic (1 of 4 stars; one submission).

Conditions:
Spermatogenic failure 18. Identifiers: MedGen C4539783, MONDO:0054615, OMIM 617576.
Ciliary dyskinesia, primary, 37 (CILD37). Also called: CILIARY DYSKINESIA, PRIMARY, 37, WITH OR WITHOUT SITUS INVERSUS. Identifiers: MedGen C4539798, MONDO:0033204, OMIM 617577.

Submission:

Labcorp Genetics (formerly Invitae), Labcorp
Classification: Pathogenic for Ciliary dyskinesia, primary, 37; Spermatogenic failure 18. Last evaluated: 2025-07-09. Review status: criteria provided, single submitter. Criteria: Invitae Variant Classification Sherloc (09022015). Collection method: clinical testing. Allele origin: germline.
Comment: This sequence change creates a premature translational stop signal (p.Val1310Cysfs*28) in the DNAH1 gene. It is expected to result in an absent or disrupted protein product. Loss-of-function variants in DNAH1 are known to be pathogenic (PMID: 27573432, 27798045). This variant is not present in population databases (gnomAD no frequency). This variant has not been reported in the literature in individuals affected with DNAH1-related conditions. For these reasons, this variant has been classified as Pathogenic.

Literature cited by the submitters: PubMed 27573432; PubMed 27798045.